The following is an entry in ClinVar:

NM_020207.7(ERCC6L2):c.3605A>G (p.Lys1202Arg)

Gene: ERCC6L2 (ERCC excision repair 6 like 2; plus strand). Cytogenetic location: 9q22.32.
Variant type: single nucleotide variant.
Coding change: c.3605A>G on transcript NM_020207.7 (MANE Select); coding-DNA position 3605, A replaced by G.
Protein change: p.Lys1202Arg; replaces lysine 1202 with arginine.
Molecular consequence: missense variant. On other transcripts: non-coding transcript variant (1).
Genome position (GRCh38, 1-based): chr9:96,004,632, A>G. VCF-style: chr9-96004632-A-G. GRCh37 (hg19) VCF-style: chr9-98766914-A-G.
Other names: c.3605A>G, p.Lys1202Arg (NM_001375291.1, NM_001375292.1); short protein forms K1202R.
Identifiers: ClinVar variation 1419123 (VCV001419123.4), dbSNP rs1444992714, ClinGen allele CA466116758.

ClinVar aggregate classification (germline): Uncertain significance (1 of 4 stars; one submission).

Allele frequency attached by ClinVar (database versions not stated): gnomAD exomes below 0.00001 and 0.00001; TOPMed 0.00001.
gnomAD v4.1: 1 of 1,329,914 alleles (0.000075%); highest among the groups gnomAD compares: Admixed American, 0.0021%; no homozygotes.

Submission:

Labcorp Genetics (formerly Invitae), Labcorp
Classification: Uncertain significance. Last evaluated: 2021-10-05. Review status: criteria provided, single submitter. Criteria: Invitae Variant Classification Sherloc (09022015). Collection method: clinical testing. Allele origin: germline.
Comment: In summary, the available evidence is currently insufficient to determine the role of this variant in disease. Therefore, it has been classified as a Variant of Uncertain Significance. Algorithms developed to predict the effect of missense changes on protein structure and function are either unavailable or do not agree on the potential impact of this missense change (SIFT: "Tolerated"; PolyPhen-2: "Not Available"; Align-GVGD: "Class C0"). This variant has not been reported in the literature in individuals affected with ERCC6L2-related conditions. This variant is not present in population databases (ExAC no frequency). This sequence change replaces lysine with arginine at codon 1213 of the ERCC6L2 protein (p.Lys1213Arg). The lysine residue is weakly conserved and there is a small physicochemical difference between lysine and arginine.